The following is an entry in ClinVar:

ClinVar aggregate classification (germline): Uncertain significance (1 of 4 stars; one submission).

Conditions:
Nance-Horan syndrome (NHS). Identifiers: Orphanet 627, MedGen C0796085, MONDO:0010545, OMIM 302350.

Submission:

Labcorp Genetics (formerly Invitae), Labcorp
Classification: Uncertain significance for Nance-Horan syndrome. Last evaluated: 2024-12-07. Review status: criteria provided, single submitter. Criteria: Invitae Variant Classification Sherloc (09022015). Collection method: clinical testing. Allele origin: germline.
Comment: This sequence change replaces arginine, which is basic and polar, with serine, which is neutral and polar, at codon 1123 of the NHS protein (p.Arg1123Ser). This variant is not present in population databases (gnomAD no frequency). This variant has not been reported in the literature in individuals affected with NHS-related conditions. Invitae Evidence Modeling of protein sequence and biophysical properties (such as structural, functional, and spatial information, amino acid conservation, physicochemical variation, residue mobility, and thermodynamic stability) indicates that this missense variant is expected to disrupt NHS protein function with a positive predictive value of 80%. In summary, the available evidence is currently insufficient to determine the role of this variant in disease. Therefore, it has been classified as a Variant of Uncertain Significance.

NM_001291867.2(NHS):c.3432G>T (p.Arg1144Ser)

Gene: NHS (NHS actin remodeling regulator; plus strand). Cytogenetic location: Xp22.13.
Variant type: single nucleotide variant.
Coding change: c.3432G>T on transcript NM_001291867.2 (MANE Select); coding-DNA position 3432, G replaced by T.
Protein change: p.Arg1144Ser; replaces arginine 1144 with serine.
Molecular consequence: missense variant.
Genome position (GRCh38, 1-based): chrX:17,727,538, G>T. VCF-style: chrX-17727538-G-T. GRCh37 (hg19) VCF-style: chrX-17745658-G-T.
Other names: c.2901G>T, p.Arg967Ser (NM_001136024.4); c.2838G>T, p.Arg946Ser (NM_001291868.2); c.3369G>T, p.Arg1123Ser (NM_198270.4); short protein forms R1144S, R946S, R1123S, R967S.
Identifiers: ClinVar variation 3665514 (VCV003665514.2).